The following is an entry in ClinVar:

ClinVar aggregate classification (germline): Uncertain significance (1 of 4 stars; one submission).

Conditions:
Primary ciliary dyskinesia. Also called: Ciliary dyskinesia. Identifiers: Orphanet 244, MedGen C0008780, MONDO:0016575, HP:0012265.

gnomAD v4.1: 8 of 1,550,406 alleles (0.00052%); highest among the groups gnomAD compares: African/African-American, 0.0014%; no homozygotes.

Submission:

Labcorp Genetics (formerly Invitae), Labcorp
Classification: Uncertain significance for Primary ciliary dyskinesia. Last evaluated: 2023-08-04. Review status: criteria provided, single submitter. Criteria: Invitae Variant Classification Sherloc (09022015). Collection method: clinical testing. Allele origin: germline.
Comment: Advanced modeling of protein sequence and biophysical properties (such as structural, functional, and spatial information, amino acid conservation, physicochemical variation, residue mobility, and thermodynamic stability) performed at Invitae indicates that this missense variant is not expected to disrupt DNAH5 protein function. In summary, the available evidence is currently insufficient to determine the role of this variant in disease. Therefore, it has been classified as a Variant of Uncertain Significance. ClinVar contains an entry for this variant (Variation ID: 834775). This variant has not been reported in the literature in individuals affected with DNAH5-related conditions. This variant is not present in population databases (gnomAD no frequency). This sequence change replaces phenylalanine, which is neutral and non-polar, with leucine, which is neutral and non-polar, at codon 2484 of the DNAH5 protein (p.Phe2484Leu).

NM_001369.3(DNAH5):c.7452C>G (p.Phe2484Leu)

Gene: DNAH5 (dynein axonemal heavy chain 5; minus strand). Cytogenetic location: 5p15.2.
Variant type: single nucleotide variant.
Coding change: c.7452C>G on transcript NM_001369.3 (MANE Select); coding-DNA position 7452, C replaced by G.
Protein change: p.Phe2484Leu; replaces phenylalanine 2484 with leucine.
Molecular consequence: missense variant.
Genome position (GRCh38, 1-based): chr5:13,810,216, G>C on the plus strand (C>G on the coding strand, the complement: DNAH5 is on the minus strand). VCF-style: chr5-13810216-G-C. GRCh37 (hg19) VCF-style: chr5-13810325-G-C.
Other names: short protein forms F2484L.
Identifiers: ClinVar variation 834775 (VCV000834775.9), dbSNP rs561666802, ClinGen allele CA359232290.
Genomic context (GRCh38, chr5:13,810,216, plus strand): 5'-CAGGCGGCGCCGTCCGTCCAGCTCCAGCGCCGCCCCCGCGCTCCACAGCAGCGCGAACAC[G>C]AACAGCCGCCCCAGGTGAGCCTGGCTCACCTCCCCGCCTTGCTCCTGAGAAGGAAAGACA-3'
Protein context (NP_001360.1, residues 2474-2494): EVSQAHLGRL[Phe2484Leu]VFALLWSAGA